The following is an entry in ClinVar:

NM_001382567.1(STIM1):c.792-3dup

Gene: STIM1 (stromal interaction molecule 1; plus strand). Cytogenetic location: 11p15.4.
Variant type: Duplication.
Coding change: c.792-3dup on transcript NM_001382567.1 (MANE Select); 3 bases into the intron before coding-DNA position 792, one base duplicated (C; older notation c.792-3dupC).
Molecular consequence: intron variant.
Genome position (GRCh38, 1-based): chr11:4,074,499, C duplicated; the last of 7 consecutive C bases (chr11:4,074,493-4,074,499); duplicating any one gives the same sequence. VCF-style (leftmost placement, unchanged base first): chr11-4074492-G-GC. GRCh37 (hg19) VCF-style: chr11-4095722-G-GC.
Other names: c.570-3dup (NM_001382578.1, NM_001382575.1, NM_001382576.1 and 5 more transcripts); c.303-3dup (NM_001382580.1, NM_001382581.1); c.792-3dup (NM_001382568.1, NM_001277962.2, NM_003156.4 and 2 more transcripts); c.564-3dup (NM_001382570.1); c.657-3dup (NM_001382569.1); c.312-3dup (NM_001382571.1); c.792-3dupC (NM_003156.3).
Identifiers: ClinVar variation 773956 (VCV000773956.14), dbSNP rs764247879, ClinGen allele CA5830323.

ClinVar aggregate classification (germline): Conflicting classifications of pathogenicity. Review status: criteria provided, conflicting classifications (1 of 4 stars). 3 submissions from 3 submitters: Uncertain significance (1); Likely benign (1). 1 of the submissions does not count toward it. Last evaluated 2026-02-01.

Conditions:
STIM1-related disorder. Also called: STIM1-related condition.
Myopathy with tubular aggregates (TAM). Also called: Tubular Aggregate Myopathy. Identifiers: Orphanet 2593, MedGen C0410207, MONDO:0008051.
Combined immunodeficiency due to STIM1 deficiency. Also called: IMMUNODEFICIENCY 10; STIM1 DEFICIENCY. Identifiers: Orphanet 169090, Orphanet 317430, MedGen C2748557, MONDO:0013008, OMIM 612783.
Stormorken syndrome (STRMK). Also called: THROMBOCYTOPATHY, ASPLENIA, AND MIOSIS. Identifiers: Orphanet 3204, MedGen C1861451, MONDO:0008497, OMIM 185070.

Submissions (3):

Labcorp Genetics (formerly Invitae), Labcorp
Classification: Likely benign for Myopathy with tubular aggregates; Combined immunodeficiency due to STIM1 deficiency; Stormorken syndrome. Last evaluated: 2026-02-01. Review status: criteria provided, single submitter. Criteria: Invitae Variant Classification Sherloc (09022015). Collection method: clinical testing. Allele origin: germline.

Revvity Omics, Revvity
Classification: Uncertain significance. Last evaluated: 2023-10-26. Review status: criteria provided, single submitter. Criteria: ACMG Guidelines, 2015. Collection method: clinical testing. Allele origin: germline.

PreventionGenetics, part of Exact Sciences
Classification: Likely benign for STIM1-related condition. Last evaluated: 2019-11-13. Review status: no assertion criteria provided. Collection method: clinical testing. Allele origin: germline. Not counted in ClinVar's aggregate classification.
Comment: This variant is classified as likely benign based on ACMG/AMP sequence variant interpretation guidelines (Richards et al. 2015 PMID: 25741868, with internal and published modifications).